The following is an entry in ClinVar:

ClinVar aggregate classification (germline): Uncertain significance. Review status: criteria provided, multiple submitters, no conflicts (2 of 4 stars). 2 submissions from 2 submitters: Uncertain significance (2). Last evaluated 2026-02-17.

gnomAD v4.1: 3 of 1,584,242 alleles (0.00019%); highest among the groups gnomAD compares: Non-Finnish European, 0.00026%; no homozygotes.

Submissions (2):

GeneDx
Classification: Uncertain significance. Last evaluated: 2026-02-17. Review status: criteria provided, single submitter. Criteria: GeneDx Variant Classification Process June 2021. Collection method: clinical testing. Allele origin: germline.
Comment: Observed with a second variant on the opposite allele (in trans) in a patient with classic autosomal recessive osteopetrosis phenotype in published literature (PMID: 34545712); RNA studies demonstrate a damaging effect: generation of a new splice receptor in intron 3 leading to aberrant splicing that retains intron 3 (PMID: 34545712); Not observed at significant frequency in large population cohorts (gnomAD); In silico analysis supports a deleterious effect on splicing; This variant is associated with the following publications: (PMID: 34545712)

Labcorp Genetics (formerly Invitae), Labcorp
Classification: Uncertain significance. Last evaluated: 2025-08-21. Review status: criteria provided, single submitter. Criteria: Invitae Variant Classification Sherloc (09022015). Collection method: clinical testing. Allele origin: germline.
Comment: This sequence change falls in intron 3 of the CLCN7 gene. It does not directly change the encoded amino acid sequence of the CLCN7 protein. RNA analysis indicates that this variant induces altered splicing and may result in an absent or altered protein product. This variant is not present in population databases (gnomAD no frequency). This variant has been observed in individual(s) with osteopetrosis (PMID: 34545712). ClinVar contains an entry for this variant (Variation ID: 1906360). Studies have shown that this variant results in the retention of intron 3, and produces a non-functional protein and/or introduces a premature termination codon (PMID: 34545712). In summary, the available evidence is currently insufficient to determine the role of this variant in disease. Therefore, it has been classified as a Variant of Uncertain Significance.

Literature cited by the submitters: PubMed 34545712 (cited by Labcorp Genetics (formerly Invitae), Labcorp).

NM_001287.6(CLCN7):c.286-9G>A

Gene: CLCN7 (Cl-/H+ antiporter 7; minus strand). Cytogenetic location: 16p13.3.
Variant type: single nucleotide variant.
Coding change: c.286-9G>A on transcript NM_001287.6 (MANE Select); 9 bases into the intron before coding-DNA position 286, G replaced by A.
Molecular consequence: intron variant.
Genome position (GRCh38, 1-based): chr16:1,461,479, C>T on the plus strand (G>A on the coding strand, the complement: CLCN7 is on the minus strand). VCF-style: chr16-1461479-C-T. GRCh37 (hg19) VCF-style: chr16-1511480-C-T.
Other names: c.214-9G>A (NM_001114331.3).
Identifiers: ClinVar variation 1906360 (VCV001906360.7), dbSNP rs200321142, ClinGen allele CA973717600.
Genomic context (GRCh38, chr16:1,461,479, plus strand): 5'-GCCGCTCCTCCTCCAGGAACAGCTGGTTCTCACTGTTGTCATAGTCCAAGCTCTGCAGGC[C>T]GGGACAGCAAGGGCAGCACTCAGCACCGAACCCACGCTCTGGGTGCGGGCACAGGGGACC-3'